The following is an entry in ClinVar:

ClinVar aggregate classification (germline): Uncertain significance. Review status: criteria provided, multiple submitters, no conflicts (2 of 4 stars). 2 submissions from 2 submitters: Uncertain significance (2). Last evaluated 2026-09-01.

Conditions:
Dilated cardiomyopathy 1G (CMD1G). Identifiers: Orphanet 154, MedGen C1858763, MONDO:0011400, OMIM 604145.

gnomAD v4.1: 1 of 1,608,804 alleles (0.000062%); highest among the groups gnomAD compares: Middle Eastern, 0.017%; no homozygotes.

Submissions (2):

CeGaT Center for Human Genetics Tuebingen
Classification: Uncertain significance. Last evaluated: 2026-09-01. Review status: criteria provided, single submitter. Criteria: CeGaT Center For Human Genetics Tuebingen Variant Classification Criteria Version 2. Collection method: clinical testing. Allele origin: germline. Affected: yes. Observed: 1 variant allele.
Comment: TTN: PM2

3billion
Classification: Uncertain significance for Dilated cardiomyopathy 1G. Last evaluated: 2023-07-25. Review status: criteria provided, single submitter. Criteria: ACMG Guidelines, 2015. Collection method: clinical testing. Allele origin: germline. Affected: yes.
Comment: The variant is not observed in the gnomAD v2.1.1 dataset. Predicted Consequence/Location: Protein truncation variants are a common disease-causing mechanism. Therefore, this variant is classified as VUS according to the recommendation of ACMG/AMP guideline.

NM_001267550.2(TTN):c.49370T>C (p.Leu16457Pro)

Genes: TTN (titin; minus strand), TTN-AS1 (TTN antisense RNA 1; plus strand). Cytogenetic location: 2q31.2.
Variant type: single nucleotide variant.
Coding change: c.49370T>C on transcript NM_001267550.2 (MANE Select); coding-DNA position 49370, T replaced by C.
Protein change: p.Leu16457Pro; replaces leucine 16457 with proline.
Molecular consequence: missense variant.
Genome position (GRCh38, 1-based): chr2:178,613,913, A>G on the plus strand (T>C on the coding strand, the complement: TTN is on the minus strand). VCF-style: chr2-178613913-A-G. GRCh37 (hg19) VCF-style: chr2-179478640-A-G.
Other names: c.44447T>C, p.Leu14816Pro (NM_001256850.1); c.22175T>C, p.Leu7392Pro (NM_003319.4); c.41666T>C, p.Leu13889Pro (NM_133378.4); c.22550T>C, p.Leu7517Pro (NM_133432.3); c.22751T>C, p.Leu7584Pro (NM_133437.4); short protein forms L13889P, L14816P, L16457P, L7392P, L7517P, L7584P.
Identifiers: ClinVar variation 3775305 (VCV003775305.2).